The following is an entry in ClinVar:

ClinVar aggregate classification (germline): Likely benign. Review status: criteria provided, multiple submitters, no conflicts (2 of 4 stars). 2 submissions from 2 submitters: Likely benign (2). Last evaluated 2025-09-01.

Conditions:
Inborn genetic diseases. Identifiers: MedGen C0950123, MeSH D030342.

Allele frequency attached by ClinVar (database versions not stated): 1000 Genomes Project 30x 0.00016; 1000 Genomes Project 0.00020; gnomAD 0.00025; TOPMed 0.00025; ESP Exome Variant Server 0.00039; gnomAD exomes 0.00040; ExAC 0.00070.
gnomAD v4.1: 609 of 1,589,112 alleles (0.038%); highest among the groups gnomAD compares: South Asian, 0.064%; no homozygotes.

Submissions (2):

CeGaT Center for Human Genetics Tuebingen
Classification: Likely benign. Last evaluated: 2025-09-01. Review status: criteria provided, single submitter. Criteria: CeGaT Center For Human Genetics Tuebingen Variant Classification Criteria Version 2. Collection method: clinical testing. Allele origin: germline. Affected: yes. Observed: 1 variant allele.
Comment: TAOK1: BS2

Ambry Genetics
Classification: Likely benign for Inborn genetic diseases. Last evaluated: 2022-06-29. Review status: criteria provided, single submitter. Criteria: Ambry Variant Classification Scheme 2023. Collection method: clinical testing. Allele origin: germline.

NM_020791.4(TAOK1):c.2994G>A (p.Met998Ile)

Gene: TAOK1 (TAO kinase 1; plus strand). Cytogenetic location: 17q11.2.
Variant type: single nucleotide variant.
Coding change: c.2994G>A on transcript NM_020791.4 (MANE Select); coding-DNA position 2994, G replaced by A.
Protein change: p.Met998Ile; replaces methionine 998 with isoleucine.
Molecular consequence: missense variant.
Genome position (GRCh38, 1-based): chr17:29,543,010, G>A. VCF-style: chr17-29543010-G-A. GRCh37 (hg19) VCF-style: chr17-27870028-G-A.
Other names: c.2550G>A, p.Met850Ile (NM_025142.1); short protein forms M850I, M998I.
Identifiers: ClinVar variation 2273934 (VCV002273934.9), dbSNP rs146733102, ClinGen allele CA8474944.
Genomic context (GRCh38, chr17:29,543,010, plus strand): 5'-GGAGCAGGGCATGAGCAGAAGCACGAGTGTCACTTCACAAATATCCAATGGGTCACACAT[G>A]TCTTATACATAACTTAATAATTGAGAGTGGCAATTCCGCTGGAGCTGTCTGCCAAAAGAA-3'
Protein context (NP_065842.1, residues 988-1001): VTSQISNGSH[Met998Ile]SYT